The following is an entry in ClinVar:

ClinVar aggregate classification (germline): Uncertain significance (1 of 4 stars; one submission).

Conditions:
Familial adenomatous polyposis 1 (FAP1). Also called: POLYPOSIS, ADENOMATOUS INTESTINAL; FAMILIAL ADENOMATOUS POLYPOSIS 1, ATTENUATED. Identifiers: MedGen C2713442, MONDO:0021056, OMIM 175100. Disease mechanism: loss of function.

Submission:

Labcorp Genetics (formerly Invitae), Labcorp
Classification: Uncertain significance for Familial adenomatous polyposis 1. Last evaluated: 2020-05-20. Review status: criteria provided, single submitter. Criteria: Invitae Variant Classification Sherloc (09022015). Collection method: clinical testing. Allele origin: germline.
Comment: Algorithms developed to predict the effect of missense changes on protein structure and function (SIFT, PolyPhen-2, Align-GVGD) all suggest that this variant is likely to be tolerated, but these predictions have not been confirmed by published functional studies and their clinical significance is uncertain. In summary, the available evidence is currently insufficient to determine the role of this variant in disease. Therefore, it has been classified as a Variant of Uncertain Significance. This variant has not been reported in the literature in individuals with APC-related conditions. This variant is not present in population databases (ExAC no frequency). This sequence change replaces methionine with isoleucine at codon 431 of the APC protein (p.Met431Ile). The methionine residue is highly conserved and there is a small physicochemical difference between methionine and isoleucine.

NM_000038.6(APC):c.1293G>C (p.Met431Ile)

Gene: APC (APC regulator of Wnt signaling pathway; plus strand). Cytogenetic location: 5q22.2.
Variant type: single nucleotide variant.
Coding change: c.1293G>C on transcript NM_000038.6 (MANE Select); coding-DNA position 1293, G replaced by C.
Protein change: p.Met431Ile; replaces methionine 431 with isoleucine.
Molecular consequence: missense variant.
Genome position (GRCh38, 1-based): chr5:112,819,325, G>C. VCF-style: chr5-112819325-G-C. GRCh37 (hg19) VCF-style: chr5-112155022-G-C.
Other names: c.1293G>C, p.Met431Ile (NM_001127510.3, NM_001354895.2, NM_001354896.2); c.1239G>C, p.Met413Ile (NM_001127511.3); c.1323G>C, p.Met441Ile (NM_001354897.2); c.1218G>C, p.Met406Ile (NM_001354898.2); c.1209G>C, p.Met403Ile (NM_001354899.2); c.1116G>C, p.Met372Ile (NM_001354900.2, NM_001354901.2); c.1020G>C, p.Met340Ile (NM_001354902.2); c.990G>C, p.Met330Ile (NM_001354903.2); and 3 more; short protein forms M340I, M372I, M441I, M271I, M305I, M330I, M403I, M148I.
Identifiers: ClinVar variation 1046496 (VCV001046496.10), dbSNP rs786201795, ClinGen allele CA16024136.